The following is an entry in ClinVar:

ClinVar aggregate classification (germline): Likely benign. Review status: criteria provided, multiple submitters, no conflicts (2 of 4 stars). 5 submissions from 5 submitters: Likely benign (4). 1 of the submissions does not count toward it. Last evaluated 2024-12-05.

Conditions:
Inborn genetic diseases. Identifiers: MedGen C0950123, MeSH D030342.
Fanconi anemia complementation group A (FANCA). Also called: Fanconi anemia, group A; FANCA-Related Fanconi Anemia. Identifiers: Orphanet 84, MedGen C3469521, MONDO:0009215, OMIM 227650.
FANCA-related disorder. Also called: FANCA-related condition.
Fanconi anemia (FA). Also called: Fanconi's anemia. Identifiers: Orphanet 84, MedGen C0015625, MeSH D005199, MONDO:0019391.

Allele frequency attached by ClinVar (database versions not stated): gnomAD 0.00001; ExAC 0.00002; gnomAD exomes 0.00002; TOPMed 0.00002.
gnomAD v4.1: 10 of 1,613,984 alleles (0.00062%); highest among the groups gnomAD compares: Admixed American, 0.017%; no homozygotes.

Submissions (5):

Ambry Genetics
Classification: Likely benign for Inborn genetic diseases. Last evaluated: 2024-12-05. Review status: criteria provided, single submitter. Criteria: Ambry Variant Classification Scheme 2023. Collection method: clinical testing. Allele origin: germline.

Labcorp Genetics (formerly Invitae), Labcorp
Classification: Likely benign for Fanconi anemia. Last evaluated: 2024-04-10. Review status: criteria provided, single submitter. Criteria: Invitae Variant Classification Sherloc (09022015). Collection method: clinical testing. Allele origin: germline.

Fulgent Genetics
Classification: Likely benign for Fanconi anemia complementation group A. Last evaluated: 2021-11-16. Review status: criteria provided, single submitter. Criteria: ACMG Guidelines, 2015. Collection method: clinical testing. Allele origin: unknown.

Blueprint Genetics
Classification: Likely benign. Last evaluated: 2021-06-28. Review status: criteria provided, single submitter. Criteria: ACMG Guidelines, 2015. Collection method: clinical testing. Allele origin: germline.

PreventionGenetics, part of Exact Sciences
Classification: Likely benign for FANCA-related condition. Last evaluated: 2019-10-28. Review status: no assertion criteria provided. Collection method: clinical testing. Allele origin: germline. Not counted in ClinVar's aggregate classification.
Comment: This variant is classified as likely benign based on ACMG/AMP sequence variant interpretation guidelines (Richards et al. 2015 PMID: 25741868, with internal and published modifications).

NM_000135.4(FANCA):c.2481G>A (p.Arg827=)

Gene: FANCA (FA complementation group A; minus strand). Cytogenetic location: 16q24.3.
Variant type: single nucleotide variant.
Coding change: c.2481G>A on transcript NM_000135.4 (MANE Select); coding-DNA position 2481, G replaced by A.
Protein change: p.Arg827=; no amino-acid change (arginine 827 retained).
Molecular consequence: synonymous variant.
Genome position (GRCh38, 1-based): chr16:89,769,860, C>T on the plus strand (G>A on the coding strand, the complement: FANCA is on the minus strand). VCF-style: chr16-89769860-C-T. GRCh37 (hg19) VCF-style: chr16-89836268-C-T.
Other names: c.2481G>A, p.Arg827= (NM_001286167.3); c.2481G>A (NM_000135.2).
Identifiers: ClinVar variation 1106567 (VCV001106567.14), dbSNP rs749895479, ClinGen allele CA8251718.